The following is an entry in ClinVar:

NM_001048174.2(MUTYH):c.777C>T (p.Ala259=)

Gene: MUTYH (mutY DNA glycosylase; minus strand). Cytogenetic location: 1p34.1.
Variant type: single nucleotide variant.
Coding change: c.777C>T on transcript NM_001048174.2 (MANE Select); coding-DNA position 777, C replaced by T.
Protein change: p.Ala259=; no amino-acid change (alanine 259 retained).
Molecular consequence: synonymous variant. On other transcripts: non-coding transcript variant (2).
Genome position (GRCh38, 1-based): chr1:45,332,238, G>A on the plus strand (C>T on the coding strand, the complement: MUTYH is on the minus strand). VCF-style: chr1-45332238-G-A. GRCh37 (hg19) VCF-style: chr1-45797910-G-A.
Other names: c.777C>T, p.Ala259= (NM_001048171.2, NM_001048173.2, NM_001293195.2); c.780C>T, p.Ala260= (NM_001048172.2); c.861C>T, p.Ala287= (NM_001128425.2); c.822C>T, p.Ala274= (NM_001293190.2); c.810C>T, p.Ala270= (NM_001293191.2); c.501C>T, p.Ala167= (NM_001293192.2, NM_001293196.2); c.432C>T, p.Ala144= (NM_001350650.2, NM_001350651.2); c.852C>T, p.Ala284= (NM_012222.3).
Identifiers: ClinVar variation 387151 (VCV000387151.8), dbSNP rs1057522708, ClinGen allele CA16603731.

ClinVar aggregate classification (germline): Likely benign. Review status: criteria provided, multiple submitters, no conflicts (2 of 4 stars). 2 submissions from 2 submitters: Likely benign (2). Last evaluated 2022-12-21.

Conditions:
Familial adenomatous polyposis 2. Also called: ADENOMAS, MULTIPLE COLORECTAL, AUTOSOMAL RECESSIVE; MYH-associated polyposis; Adenomas, multiple colorectal; MUTYH Polyposis; COLORECTAL ADENOMATOUS POLYPOSIS, AUTOSOMAL RECESSIVE; FAP type 2. Identifiers: Orphanet 220460, Orphanet 247798, MedGen C3272841, MONDO:0012041, OMIM 608456.

Submissions (2):

Labcorp Genetics (formerly Invitae), Labcorp
Classification: Likely benign for Familial adenomatous polyposis 2. Last evaluated: 2022-12-21. Review status: criteria provided, single submitter. Criteria: Invitae Variant Classification Sherloc (09022015). Collection method: clinical testing. Allele origin: germline.

GeneDx
Classification: Likely benign. Last evaluated: 2016-06-20. Review status: criteria provided, single submitter. Criteria: GeneDx Variant Classification (06012015). Collection method: clinical testing. Allele origin: germline. Affected: yes.
Comment: This variant is considered likely benign or benign based on one or more of the following criteria: it is a conservative change, it occurs at a poorly conserved position in the protein, it is predicted to be benign by multiple in silico algorithms, and/or has population frequency not consistent with disease.